The following is an entry in ClinVar:

ClinVar aggregate classification (germline): Likely benign. Review status: criteria provided, single submitter (1 of 4 stars). 2 submissions from 2 submitters: Likely benign (1). 1 of the submissions does not count toward it.

Conditions:
TRPM7-related disorder. Also called: TRPM7-related condition.

Allele frequency attached by ClinVar (database versions not stated): 1000 Genomes Project 30x 0.00016; gnomAD 0.00016; gnomAD exomes 0.00022; TOPMed 0.00033; ExAC 0.00063.
gnomAD v4.1: 353 of 1,606,442 alleles (0.022%); highest among the groups gnomAD compares: Admixed American, 0.15%; no homozygotes.

Submissions (2):

Breakthrough Genomics
Classification: Likely benign. Review status: criteria provided, single submitter. Criteria: ACMG Guidelines, 2015. Collection method: not provided. Allele origin: germline. Inheritance: Autosomal dominant inheritance. Affected: yes.

PreventionGenetics, part of Exact Sciences
Classification: Likely benign for TRPM7-related condition. Last evaluated: 2019-11-25. Review status: no assertion criteria provided. Collection method: clinical testing. Allele origin: germline. Not counted in ClinVar's aggregate classification.
Comment: This variant is classified as likely benign based on ACMG/AMP sequence variant interpretation guidelines (Richards et al. 2015 PMID: 25741868, with internal and published modifications).

NM_017672.6(TRPM7):c.4262A>G (p.Asp1421Gly)

Gene: TRPM7 (transient receptor potential cation channel subfamily M member 7; minus strand). Cytogenetic location: 15q21.2.
Variant type: single nucleotide variant.
Coding change: c.4262A>G on transcript NM_017672.6 (MANE Select); coding-DNA position 4262, A replaced by G.
Protein change: p.Asp1421Gly; replaces aspartic acid 1421 with glycine.
Molecular consequence: missense variant. On other transcripts: non-coding transcript variant (3).
Genome position (GRCh38, 1-based): chr15:50,591,973, T>C on the plus strand (A>G on the coding strand, the complement: TRPM7 is on the minus strand). VCF-style: chr15-50591973-T-C. GRCh37 (hg19) VCF-style: chr15-50884170-T-C.
Other names: c.4262A>G, p.Asp1421Gly (NM_001301212.2); short protein forms D1421G.
Identifiers: ClinVar variation 3049123 (VCV003049123.3), dbSNP rs201387536, ClinGen allele CA7557011.
Genomic context (GRCh38, chr15:50,591,973, plus strand): 5'-ACAAATGCTCCAAATTCTGTATTATCTCCTTCTGTAGCTTTAGAGCAAACAGTTTCTTGA[T>C]CTTTGGTTCCAGTTTCCAAGTGGCTTTTGCAACTTGGCTGAGATGGTGTACTAACAAAAA-3'
Protein context (NP_060142.3, residues 1411-1431): CKSHLETGTK[Asp1421Gly]QETVCSKATE